The following is an entry in ClinVar:

ClinVar aggregate classification (germline): Uncertain significance (1 of 4 stars; one submission).

Conditions:
Alzheimer disease 4 (AD4). Identifiers: Orphanet 1020, MedGen C1847200, MONDO:0011743, OMIM 606889.

Submission:

Labcorp Genetics (formerly Invitae), Labcorp
Classification: Uncertain significance for Alzheimer disease 4. Last evaluated: 2022-10-10. Review status: criteria provided, single submitter. Criteria: Invitae Variant Classification Sherloc (09022015). Collection method: clinical testing. Allele origin: germline.
Comment: Information on the frequency of this variant in the gnomAD database is not available, as this variant may be reported differently in the database. This sequence change replaces histidine, which is basic and polar, with leucine, which is neutral and non-polar, at codon 87 of the PSEN2 protein (p.His87Leu). This variant has not been reported in the literature in individuals affected with PSEN2-related conditions. Algorithms developed to predict the effect of missense changes on protein structure and function are either unavailable or do not agree on the potential impact of this missense change (SIFT: "Not Available"; PolyPhen-2: "Probably Damaging"; Align-GVGD: "Not Available"). In summary, the available evidence is currently insufficient to determine the role of this variant in disease. Therefore, it has been classified as a Variant of Uncertain Significance.

NM_000447.3(PSEN2):c.260_261delinsTT (p.His87Leu)

Gene: PSEN2 (presenilin 2; plus strand). Cytogenetic location: 1q42.13.
Variant type: Indel.
Coding change: c.260_261delinsTT on transcript NM_000447.3 (MANE Select); coding-DNA positions 260 to 261, AC replaced by TT.
Protein change: p.His87Leu; replaces histidine 87 with leucine.
Molecular consequence: missense variant.
Genome position (GRCh38, 1-based): chr1:226,883,823-226,883,824, AC replaced by TT. VCF-style: chr1-226883823-AC-TT. GRCh37 (hg19) VCF-style: chr1-227071524-AC-TT.
Other names: c.260_261delinsTT, p.His87Leu (NM_012486.3); short protein forms H87L.
Identifiers: ClinVar variation 2117846 (VCV002117846.4), dbSNP rs2527952102, ClinGen allele CA2580062245.
Genomic context (GRCh38, chr1:226,883,823, plus strand): 5'-GGGTTCCCGGGCGGCCGCCAGGCCTGGAGGAAGAGCTGACCCTCAAATACGGAGCGAAGC[AC>TT]GTGATCATGCTGTTTGTGCCTGTCACTCTGTGCATGATCGTGGTGGTAGCCACCATCAAG-3'
Protein context (NP_000438.2, residues 77-97): EELTLKYGAK[His87Leu]VIMLFVPVTL